The following is an entry in ClinVar:

NM_004444.5(EPHB4):c.406A>G (p.Ile136Val)

Gene: EPHB4 (EPH receptor B4; minus strand). Cytogenetic location: 7q22.1.
Variant type: single nucleotide variant.
Coding change: c.406A>G on transcript NM_004444.5 (MANE Select); coding-DNA position 406, A replaced by G.
Protein change: p.Ile136Val; replaces isoleucine 136 with valine.
Molecular consequence: missense variant.
Genome position (GRCh38, 1-based): chr7:100,823,649, T>C on the plus strand (A>G on the coding strand, the complement: EPHB4 is on the minus strand). VCF-style: chr7-100823649-T-C. GRCh37 (hg19) VCF-style: chr7-100421271-T-C.
Other names: c.406A>G (NM_004444.4); short protein forms I136V.
Identifiers: ClinVar variation 4774309 (VCV004774309.2).
Genomic context (GRCh38, chr7:100,823,649, plus strand): 5'-CTGCTGGCTGGAATCCCACCTTGGCTGTGGCTGAGCCCTGGGGGCACCCAGGTACCTTGA[T>C]GTAGGGGTTCTCCATCCAGGCTGGCGTGAGGGCCGTGGCCGTGTCCGCATCGCTCTCATA-3'
Protein context (NP_004435.3, residues 126-146): LTPAWMENPY[Ile136Val]KVDTVAAEHL

ClinVar aggregate classification (germline): Uncertain significance. Review status: criteria provided, multiple submitters, no conflicts (2 of 4 stars). 2 submissions from 2 submitters: Uncertain significance (2). Last evaluated 2026-02-15.

Conditions:
Cardiovascular phenotype. Identifiers: MedGen CN230736.

gnomAD v4.1: 2 of 1,611,976 alleles (0.00012%); highest among the groups gnomAD compares: Non-Finnish European, 0.00017%; no homozygotes.

Submissions (2):

Ambry Genetics
Classification: Uncertain significance for Cardiovascular phenotype. Last evaluated: 2026-02-15. Review status: criteria provided, single submitter. Criteria: Ambry Variant Classification Scheme 2023. Collection method: clinical testing. Allele origin: germline.
Comment: The p.I136V variant (also known as c.406A>G), located in coding exon 3 of the EPHB4 gene, results from an A to G substitution at nucleotide position 406. The isoleucine at codon 136 is replaced by valine, an amino acid with highly similar properties. This amino acid position is conserved. In addition, this alteration is predicted to be tolerated by in silico analysis. Based on the available evidence, the clinical significance of this variant remains unclear.

Labcorp Genetics (formerly Invitae), Labcorp
Classification: Uncertain significance. Last evaluated: 2025-08-15. Review status: criteria provided, single submitter. Criteria: Invitae Variant Classification Sherloc (09022015). Collection method: clinical testing. Allele origin: germline.
Comment: This sequence change replaces isoleucine, which is neutral and non-polar, with valine, which is neutral and non-polar, at codon 136 of the EPHB4 protein (p.Ile136Val). This variant is not present in population databases (gnomAD no frequency). This variant has not been reported in the literature in individuals affected with EPHB4-related conditions. Invitae Evidence Modeling of protein sequence and biophysical properties (such as structural, functional, and spatial information, amino acid conservation, physicochemical variation, residue mobility, and thermodynamic stability) indicates that this missense variant is not expected to disrupt EPHB4 protein function with a negative predictive value of 95%. In summary, the available evidence is currently insufficient to determine the role of this variant in disease. Therefore, it has been classified as a Variant of Uncertain Significance.